The following is an entry in ClinVar:

NM_178857.6(RP1L1):c.46T>C (p.Cys16Arg)

Gene: RP1L1 (RP1 like 1). Cytogenetic location: 8p23.1.
Variant type: single nucleotide variant.
Coding change: c.46T>C on transcript NM_178857.6 (MANE Select); coding-DNA position 46, T replaced by C.
Protein change: p.Cys16Arg; replaces cysteine 16 with arginine.
Molecular consequence: missense variant.
Genome position (GRCh38, 1-based): chr8:10,623,156, A>G on the plus strand (T>C on the coding strand, the complement: RP1L1 is on the minus strand). VCF-style: chr8-10623156-A-G. GRCh37 (hg19) VCF-style: chr8-10480666-A-G.
Other names: short protein forms C16R.
Identifiers: ClinVar variation 3610788 (VCV003610788.2).

ClinVar aggregate classification (germline): Uncertain significance (1 of 4 stars; one submission).

Submission:

Labcorp Genetics (formerly Invitae), Labcorp
Classification: Uncertain significance. Last evaluated: 2024-07-10. Review status: criteria provided, single submitter. Criteria: Invitae Variant Classification Sherloc (09022015). Collection method: clinical testing. Allele origin: germline.
Comment: This sequence change replaces cysteine, which is neutral and slightly polar, with arginine, which is basic and polar, at codon 16 of the RP1L1 protein (p.Cys16Arg). This variant is not present in population databases (gnomAD no frequency). This variant has not been reported in the literature in individuals affected with RP1L1-related conditions. Advanced modeling of protein sequence and biophysical properties (such as structural, functional, and spatial information, amino acid conservation, physicochemical variation, residue mobility, and thermodynamic stability) performed at Invitae indicates that this missense variant is not expected to disrupt RP1L1 protein function with a negative predictive value of 80%. In summary, the available evidence is currently insufficient to determine the role of this variant in disease. Therefore, it has been classified as a Variant of Uncertain Significance.